The following is an entry in ClinVar:

ClinVar aggregate classification (germline): Likely benign. Review status: criteria provided, multiple submitters, no conflicts (2 of 4 stars). 2 submissions from 2 submitters: Likely benign (2). Last evaluated 2026-08-01.

Allele frequency attached by ClinVar (database versions not stated): 1000 Genomes Project 0.00160; 1000 Genomes Project 30x 0.00187; TOPMed 0.00492; ESP Exome Variant Server 0.00508; ExAC 0.00578.
gnomAD v4.1: 10,070 of 1,611,928 alleles (0.62%); highest among the groups gnomAD compares: Non-Finnish European, 0.72%; 41 homozygotes.

Submissions (2):

CeGaT Center for Human Genetics Tuebingen
Classification: Likely benign. Last evaluated: 2026-08-01. Review status: criteria provided, single submitter. Criteria: CeGaT Center For Human Genetics Tuebingen Variant Classification Criteria Version 2. Collection method: clinical testing. Allele origin: germline. Affected: yes. Observed: 24 variant alleles.
Comment: TGIF1: BS2

Blueprint Genetics
Classification: Likely benign. Last evaluated: 2024-11-25. Review status: criteria provided, single submitter. Criteria: ACMG Guidelines, 2015. Collection method: clinical testing. Allele origin: germline.

NM_003244.4(TGIF1):c.16+1528G>A

Gene: TGIF1 (TGFB induced factor homeobox 1; plus strand). Cytogenetic location: 18p11.31.
Variant type: single nucleotide variant.
Coding change: c.16+1528G>A on transcript NM_003244.4 (MANE Select); 1528 bases into the intron after coding-DNA position 16, G replaced by A.
Molecular consequence: intron variant. On other transcripts: 5 prime UTR variant (1).
Genome position (GRCh38, 1-based): chr18:3,452,033, G>A. VCF-style: chr18-3452033-G-A. GRCh37 (hg19) VCF-style: chr18-3452031-G-A.
Other names: c.-44-4321G>A (NM_001278686.3, NM_174886.3); c.58+4236G>A (NM_173207.4); c.-45+3494G>A (NM_001374396.1); c.25+2377G>A (NM_001278682.2); c.16+1528G>A (NM_173208.3, NM_001278684.2); c.-45+1963G>A (NM_173209.3); c.-45+258G>A (NM_173210.4); c.-45+262G>A (NM_001374397.1); and 1 more.
Identifiers: ClinVar variation 2648526 (VCV002648526.25), dbSNP rs144435321, ClinGen allele CA8875723.
Genomic context (GRCh38, chr18:3,452,033, plus strand): 5'-TTCGAGGATGGTTCTAGCGCAGAGCCGGGTGTCTGCCGGGGTGGGCTCCCCGCATTGTTC[G>A]GGCTCCGGCGGGGGCGGCTCTGATTCCTTTCCATGGCCCGCCTCCCACCCCGGGAATCCC-3'